The following is an entry in ClinVar:

NM_201253.3(CRB1):c.1312T>A (p.Cys438Ser)

Gene: CRB1 (crumbs cell polarity complex component 1; plus strand). Cytogenetic location: 1q31.3.
Variant type: single nucleotide variant.
Coding change: c.1312T>A on transcript NM_201253.3 (MANE Select); coding-DNA position 1312, T replaced by A.
Protein change: p.Cys438Ser; replaces cysteine 438 with serine.
Molecular consequence: missense variant. On other transcripts: non-coding transcript variant (2).
Genome position (GRCh38, 1-based): chr1:197,421,140, T>A. VCF-style: chr1-197421140-T-A. GRCh37 (hg19) VCF-style: chr1-197390270-T-A.
Other names: c.976T>A, p.Cys326Ser (NM_001193640.2); c.1105T>A, p.Cys369Ser (NM_001257965.2); c.1312T>A, p.Cys438Ser (NM_001257966.2); short protein forms C438S, C326S, C369S.
Identifiers: ClinVar variation 2027619 (VCV002027619.4), dbSNP rs2528104857, ClinGen allele CA344030327.

ClinVar aggregate classification (germline): Likely pathogenic (1 of 4 stars; one submission).

Conditions:
Retinitis pigmentosa 12 (RP12). Also called: RP WITH OR WITHOUT PRESERVED PARAARTERIOLE RETINAL PIGMENT EPITHELIUM; RETINITIS PIGMENTOSA WITH OR WITHOUT PARAARTERIOLAR PRESERVATION OF RETINAL PIGMENT EPITHELIUM; RP WITH OR WITHOUT PPRPE. Identifiers: Orphanet 791, MedGen C1838647, MONDO:0010818, OMIM 600105.
Leber congenital amaurosis 8 (LCA8). Identifiers: Orphanet 65, MedGen C3151202, MONDO:0013453, OMIM 613835.

Submission:

Labcorp Genetics (formerly Invitae), Labcorp
Classification: Likely pathogenic for Leber congenital amaurosis 8; Retinitis pigmentosa 12. Last evaluated: 2022-08-28. Review status: criteria provided, single submitter. Criteria: Invitae Variant Classification Sherloc (09022015). Collection method: clinical testing. Allele origin: germline.
Comment: In summary, the currently available evidence indicates that the variant is pathogenic, but additional data are needed to prove that conclusively. Therefore, this variant has been classified as Likely Pathogenic. This variant disrupts the p.Cys438 amino acid residue in CRB1. Other variant(s) that disrupt this residue have been observed in individuals with CRB1-related conditions (PMID: 17724218, 29053603, 33342761; Invitae), which suggests that this may be a clinically significant amino acid residue. Advanced modeling of protein sequence and biophysical properties (such as structural, functional, and spatial information, amino acid conservation, physicochemical variation, residue mobility, and thermodynamic stability) performed at Invitae indicates that this missense variant is expected to disrupt CRB1 protein function. This missense change has been observed in individual(s) with retinitis pigmentosa (Invitae). This variant is not present in population databases (gnomAD no frequency). This sequence change replaces cysteine, which is neutral and slightly polar, with serine, which is neutral and polar, at codon 438 of the CRB1 protein (p.Cys438Ser).

Literature cited by the submitters: PubMed 17724218; PubMed 29053603; PubMed 33342761.